The following is an entry in ClinVar:

NM_001267550.2(TTN):c.101397C>G (p.Thr33799=)

Genes: TTN-AS1 (TTN antisense RNA 1; plus strand), TTN (titin; minus strand). Cytogenetic location: 2q31.2.
Variant type: single nucleotide variant.
Coding change: c.101397C>G on transcript NM_001267550.2 (MANE Select); coding-DNA position 101397, C replaced by G.
Protein change: p.Thr33799=; no amino-acid change (threonine 33799 retained).
Molecular consequence: synonymous variant.
Genome position (GRCh38, 1-based): chr2:178,535,218, G>C on the plus strand (C>G on the coding strand, the complement: TTN is on the minus strand). VCF-style: chr2-178535218-G-C. GRCh37 (hg19) VCF-style: chr2-179399945-G-C.
Other names: c.96474C>G, p.Thr32158= (NM_001256850.1); c.74202C>G, p.Thr24734= (NM_003319.4); c.93693C>G, p.Thr31231= (NM_133378.4); c.74577C>G, p.Thr24859= (NM_133432.3); c.74778C>G, p.Thr24926= (NM_133437.4).
Identifiers: ClinVar variation 1758854 (VCV001758854.6), dbSNP rs1258137892, ClinGen allele CA430237862.

ClinVar aggregate classification (germline): Conflicting classifications of pathogenicity. Review status: criteria provided, conflicting classifications (1 of 4 stars). 3 submissions from 3 submitters: Uncertain significance (1); Likely benign (2). Last evaluated 2025-10-23.

Conditions:
Autosomal recessive limb-girdle muscular dystrophy type 2J (LGMDR10). Also called: Limb-girdle muscular dystrophy, type 2J; MUSCULAR DYSTROPHY, LIMB-GIRDLE, AUTOSOMAL RECESSIVE 10. Identifiers: Orphanet 140922, MedGen C1837342, MONDO:0012127, OMIM 608807.
Dilated cardiomyopathy 1G (CMD1G). Identifiers: Orphanet 154, MedGen C1858763, MONDO:0011400, OMIM 604145.
Cardiovascular phenotype. Identifiers: MedGen CN230736.

Allele frequency attached by ClinVar (database versions not stated): TOPMed 0.00001.

Submissions (3):

Labcorp Genetics (formerly Invitae), Labcorp
Classification: Likely benign for Dilated cardiomyopathy 1G; Autosomal recessive limb-girdle muscular dystrophy type 2J. Last evaluated: 2025-10-23. Review status: criteria provided, single submitter. Criteria: Invitae Variant Classification Sherloc (09022015). Collection method: clinical testing. Allele origin: germline.

GeneDx
Classification: Uncertain significance. Last evaluated: 2025-05-21. Review status: criteria provided, single submitter. Criteria: GeneDx Variant Classification Process June 2021. Collection method: clinical testing. Allele origin: germline. Affected: yes.
Comment: Not observed at significant frequency in large population cohorts (gnomAD); In silico analysis suggests that this variant does not alter splicing; Has not been previously published as pathogenic or benign to our knowledge

Ambry Genetics
Classification: Likely benign for Cardiovascular phenotype. Last evaluated: 2019-10-20. Review status: criteria provided, single submitter. Criteria: Ambry Variant Classification Scheme 2023. Collection method: clinical testing. Allele origin: germline.